The following is an entry in ClinVar:

ClinVar aggregate classification (germline): Uncertain significance. Review status: reviewed by expert panel (3 of 4 stars). 3 submissions from 3 submitters: Uncertain significance (1). 2 of the submissions do not count toward it. Last evaluated 2024-10-02.

Conditions:
Inborn genetic diseases. Identifiers: MedGen C0950123, MeSH D030342.
Hereditary antithrombin deficiency (AT3D). Also called: Antithrombin deficiency; Reduced antithrombin III activity; Antithrombin III deficiency; Thrombophilia due to antithrombin III deficiency. Identifiers: Orphanet 82, MedGen C0272375, MONDO:0013144, OMIM 613118, HP:0001976.

Allele frequency attached by ClinVar (database versions not stated): gnomAD 0.00001; TOPMed 0.00001.
gnomAD v4.1: 19 of 1,613,986 alleles (0.0012%); highest among the groups gnomAD compares: Middle Eastern, 0.016%; no homozygotes.

Submissions (3):

Clingen Thrombosis Variant Curation Expert Panel, ClinGen
Classification: Uncertain significance for Hereditary antithrombin deficiency. Last evaluated: 2024-10-02. Review status: reviewed by expert panel. Criteria: ClinGen ACMG Specifications SERPINC1 V1.0.0. Collection method: curation. Allele origin: germline. Inheritance: Autosomal dominant inheritance.
Comment: The c.17T>C (NM_000488.3) variant in SERPINC1 is a missense variant predicted to cause substitution of isoleucine by threonine at amino acid 6 (p.Ile6Thr). The computational predictor REVEL gives a score of 0.248, which is below the threshold of 0.3, and the splice site predictor Splice AI indicate that the variant has no impact on splicing, which suggests that the variant does not impact SERPINC1 function (BP4). In summary, based on the evidence available at this time, the clinical significance of this variant is uncertain. ACMG/AMP criteria applied, as specified by the Thrombosis Variant Curation Expert Panel for AT Deficiency for SERPINC1: BP4.

Labcorp Genetics (formerly Invitae), Labcorp
Classification: Uncertain significance for Hereditary antithrombin deficiency. Last evaluated: 2025-01-27. Review status: criteria provided, single submitter. Criteria: Invitae Variant Classification Sherloc (09022015). Collection method: clinical testing. Allele origin: germline. Not counted in ClinVar's aggregate classification.
Comment: This sequence change replaces isoleucine, which is neutral and non-polar, with threonine, which is neutral and polar, at codon 6 of the SERPINC1 protein (p.Ile6Thr). This variant is present in population databases (rs753713846, gnomAD 0.006%). This variant has not been reported in the literature in individuals affected with SERPINC1-related conditions. ClinVar contains an entry for this variant (Variation ID: 2295171). An algorithm developed to predict the effect of missense changes on protein structure and function outputs the following: PolyPhen-2: "Benign". The threonine amino acid residue is found in multiple mammalian species, which suggests that this missense change does not adversely affect protein function. In summary, the available evidence is currently insufficient to determine the role of this variant in disease. Therefore, it has been classified as a Variant of Uncertain Significance.

Ambry Genetics
Classification: Uncertain significance for Inborn genetic diseases. Last evaluated: 2022-06-13. Review status: criteria provided, single submitter. Criteria: Ambry Variant Classification Scheme 2023. Collection method: clinical testing. Allele origin: germline. Not counted in ClinVar's aggregate classification.

NM_000488.4(SERPINC1):c.17T>C (p.Ile6Thr)

Gene: SERPINC1 (serpin family C member 1; minus strand). Cytogenetic location: 1q25.1.
Variant type: single nucleotide variant.
Coding change: c.17T>C on transcript NM_000488.4 (MANE Select); coding-DNA position 17, T replaced by C.
Protein change: p.Ile6Thr; replaces isoleucine 6 with threonine.
Molecular consequence: missense variant. On other transcripts: 5 prime UTR variant (1).
Genome position (GRCh38, 1-based): chr1:173,917,243, A>G on the plus strand (T>C on the coding strand, the complement: SERPINC1 is on the minus strand). VCF-style: chr1-173917243-A-G. GRCh37 (hg19) VCF-style: chr1-173886381-A-G.
Other names: NM_000488.4(SERPINC1):c.17T>C; p.Ile6Thr; c.-297T>C (NM_001365052.2); c.17T>C, p.Ile6Thr (NM_001386302.1, NM_001386303.1, NM_001386304.1 and 2 more transcripts); short protein forms I6T.
Identifiers: ClinVar variation 2295171 (VCV002295171.5), dbSNP rs753713846, ClinGen allele CA1251495.